The following is an entry in ClinVar:

ClinVar aggregate classification (germline): Uncertain significance (1 of 4 stars; one submission).

Allele frequency attached by ClinVar (database versions not stated): gnomAD exomes below 0.00001.
gnomAD v4.1: 2 of 1,614,130 alleles (0.00012%); highest among the groups gnomAD compares: Non-Finnish European, 0.00017%; no homozygotes.

Submission:

Labcorp Genetics (formerly Invitae), Labcorp
Classification: Uncertain significance. Last evaluated: 2022-01-11. Review status: criteria provided, single submitter. Criteria: Invitae Variant Classification Sherloc (09022015). Collection method: clinical testing. Allele origin: germline.
Comment: This sequence change replaces threonine, which is neutral and polar, with alanine, which is neutral and non-polar, at codon 450 of the ARMC9 protein (p.Thr450Ala). This variant is not present in population databases (gnomAD no frequency). This variant has not been reported in the literature in individuals affected with ARMC9-related conditions. Experimental studies and prediction algorithms are not available or were not evaluated, and the functional significance of this variant is currently unknown. In summary, the available evidence is currently insufficient to determine the role of this variant in disease. Therefore, it has been classified as a Variant of Uncertain Significance.

NM_001352754.2(ARMC9):c.1348A>G (p.Thr450Ala)

Gene: ARMC9 (armadillo repeat containing 9; plus strand). Cytogenetic location: 2q37.1.
Variant type: single nucleotide variant.
Coding change: c.1348A>G on transcript NM_001352754.2 (MANE Select); coding-DNA position 1348, A replaced by G.
Protein change: p.Thr450Ala; replaces threonine 450 with alanine.
Molecular consequence: missense variant. On other transcripts: non-coding transcript variant (1).
Genome position (GRCh38, 1-based): chr2:231,276,649, A>G. VCF-style: chr2-231276649-A-G. GRCh37 (hg19) VCF-style: chr2-232141362-A-G.
Other names: c.1348A>G, p.Thr450Ala (NM_001271466.4, NM_001291656.2, NM_001352755.2 and 3 more transcripts); c.1249A>G, p.Thr417Ala (NM_001352757.2, NM_001352758.2); short protein forms T417A, T450A.
Identifiers: ClinVar variation 2079434 (VCV002079434.4), dbSNP rs754330856, ClinGen allele CA66824005.
Genomic context (GRCh38, chr2:231,276,649, plus strand): 5'-AAAAGTTTCTTGGCAGTTTGTATTTACCGTAGGCTCTTTCTTCCCAGGCGCCCGCTGCAG[A>G]CAGCGATGATTCAAGACGGCCTCATCTTCTGGCTGGTTGATGTTCTGAAGGACCCTGACT-3'
Protein context (NP_001339683.2, residues 440-460): QKFSLRRPLQ[Thr450Ala]AMIQDGLIFW